The following is an entry in ClinVar:

ClinVar aggregate classification (germline): Uncertain significance (1 of 4 stars; one submission).

Conditions:
CUL4B-related disorder. Also called: CUL4B-related condition.

Submission:

PreventionGenetics, part of Exact Sciences
Classification: Uncertain significance for CUL4B-related condition. Last evaluated: 2026-06-23. Review status: criteria provided, single submitter. Criteria: ACMG Guidelines, 2015. Collection method: clinical testing. Allele origin: germline.
Comment: The CUL4B c.45G>C variant is predicted to result in the amino acid substitution p.Glu15Asp. To our knowledge, this variant has not been reported in the literature or in a large population database (gnomAD), indicating this variant is rare. At this time, the clinical significance of this variant is uncertain due to the absence of conclusive functional and genetic evidence.

NM_003588.4(CUL4B):c.45G>C (p.Glu15Asp)

Gene: CUL4B (cullin 4B; minus strand). Cytogenetic location: Xq24.
Variant type: single nucleotide variant.
Coding change: c.45G>C on transcript NM_003588.4; coding-DNA position 45, G replaced by C.
Protein change: p.Glu15Asp; replaces glutamic acid 15 with aspartic acid.
Molecular consequence: missense variant.
Genome position (GRCh38, 1-based): chrX:120,574,573, C>G on the plus strand (G>C on the coding strand, the complement: CUL4B is on the minus strand). VCF-style: chrX-120574573-C-G. GRCh37 (hg19) VCF-style: chrX-119708428-C-G.
Other names: short protein forms E15D.
Identifiers: ClinVar variation 4993351 (VCV004993351.1).